The following is an entry in ClinVar:

NM_032730.5(RTN4IP1):c.292G>C (p.Ala98Pro)

Gene: RTN4IP1 (reticulon 4 interacting protein 1; minus strand). Cytogenetic location: 6q21.
Variant type: single nucleotide variant.
Coding change: c.292G>C on transcript NM_032730.5 (MANE Select); coding-DNA position 292, G replaced by C.
Protein change: p.Ala98Pro; replaces alanine 98 with proline.
Molecular consequence: missense variant. On other transcripts: 5 prime UTR variant (1).
Genome position (GRCh38, 1-based): chr6:106,622,952, C>G on the plus strand (G>C on the coding strand, the complement: RTN4IP1 is on the minus strand). VCF-style: chr6-106622952-C-G. GRCh37 (hg19) VCF-style: chr6-107070827-C-G.
Other names: c.-9G>C (NM_001318746.1); short protein forms A98P.
Identifiers: ClinVar variation 5028549 (VCV005028549.1).

ClinVar aggregate classification (germline): Uncertain significance (1 of 4 stars; one submission).

Conditions:
Inborn genetic diseases. Identifiers: MedGen C0950123, MeSH D030342.

gnomAD v4.1: 2 of 1,614,126 alleles (0.00012%); highest among the groups gnomAD compares: Non-Finnish European, 0.00017%; no homozygotes.

Submission:

Ambry Genetics
Classification: Uncertain significance for Inborn genetic diseases. Last evaluated: 2026-06-29. Review status: criteria provided, single submitter. Criteria: Ambry Variant Classification Scheme 2023. Collection method: clinical testing. Allele origin: germline.
Comment: The c.292G>C (p.A98P) alteration is located in exon 2 (coding exon 2) of the RTN4IP1 gene. This alteration results from a G to C substitution at nucleotide position 292, causing the alanine (A) at amino acid position 98 to be replaced by a proline (P). Based on data from gnomAD, the C allele has an overall frequency of 0.001% (2/251278) total alleles studied. The highest observed frequency was 0.002% (2/113682) of European (non-Finnish) alleles. Based on insufficient or conflicting evidence, the clinical significance of this alteration remains unclear.